The following is an entry in ClinVar:

NM_000317.3(PTS):c.-16_7del (p.Met1fs)

Genes: PTS (6-pyruvoyltetrahydropterin synthase; plus strand), LOC130006765 (ATAC-STARR-seq lymphoblastoid silent region 3906; plus strand). Cytogenetic location: 11q23.1.
Variant type: Deletion.
Coding change: c.-16_7del on transcript NM_000317.3 (MANE Select); 16 bases upstream of the start codon through coding-DNA position 7, 23 bases deleted (AGACAGCGCCGGGAAGATGAGCA).
Protein change: p.Met1fs; shifts the reading frame from methionine 1.
Molecular consequence: frameshift variant, initiator codon variant.
Genome position (GRCh38, 1-based): chr11:112,226,428-112,226,450, AGACAGCGCCGGGAAGATGAGCA deleted. VCF-style (leftmost placement, unchanged base first): chr11-112226427-CAGACAGCGCCGGGAAGATGAGCA-C. GRCh37 (hg19) VCF-style: chr11-112097150-CAGACAGCGCCGGGAAGATGAGCA-C.
Other names: short protein forms M1fs.
Identifiers: ClinVar variation 4818148 (VCV004818148.1).
Genomic context (GRCh38, chr11:112,226,427, plus strand): 5'-GCAGCCGCGGTGGGAGGAGGCACCGGCCGCGCGGCGGGAGGAGGTGCCGGCCGAGCACCG[CAGACAGCGCCGGGAAGATGAGCA>C]CGGAAGGTGGTGGCCGTCGCTGCCAGGCACAAGTGTCCCGCCGCATCTCCTTCAGCGCGA-3'

ClinVar aggregate classification (germline): Likely pathogenic (1 of 4 stars; one submission).

Conditions:
6-Pyruvoyl-tetrahydrobiopterin synthase deficiency. Also called: 6-Pyruvoyltetrahydropterin Synthase Deficiency; HYPERPHENYLALANINEMIA, TETRAHYDROBIOPTERIN-DEFICIENT, DUE TO PTS DEFICIENCY; PTS DEFICIENCY; Hyperphenylalanemia, BH4-deficient, A; Hyperphenylalaninemia due to 6-pyruvoyl-tetrahydropterin synthase deficiency; BH4-deficient hyperphenylalaninemia A. Identifiers: Orphanet 13, Orphanet 238583, MedGen C0878676, MONDO:0009863, OMIM 261640.

Submission:

Natera, Inc.
Classification: Likely pathogenic for 6-Pyruvoyl-tetrahydrobiopterin synthase deficiency. Last evaluated: 2025-03-25. Review status: criteria provided, single submitter. Criteria: Natera Variant Classification Schema (03/2026). Collection method: clinical testing. Allele origin: germline.
Comment: The c.-24_9delAGCACCGCAGACAGCGCCGGGAAGATGAGCACG variant in PTS is predicted to result in start loss due to disruption of the initiator methionine. This variant is expected to result in nonsense mediated decay, truncation, or a dysfunctional protein product. This variant is rare in the general population with a frequency below the threshold expected for the associated phenotype(s). Given the available evidence, this variant is classified as Likely Pathogenic.